The following is an entry in ClinVar:

NM_001853.4(COL9A3):c.1165G>T (p.Ala389Ser)

Gene: COL9A3 (collagen type IX alpha 3 chain; plus strand). Cytogenetic location: 20q13.33.
Variant type: single nucleotide variant.
Coding change: c.1165G>T on transcript NM_001853.4 (MANE Select); coding-DNA position 1165, G replaced by T.
Protein change: p.Ala389Ser; replaces alanine 389 with serine.
Molecular consequence: missense variant.
Genome position (GRCh38, 1-based): chr20:62,830,363, G>T. VCF-style: chr20-62830363-G-T. GRCh37 (hg19) VCF-style: chr20-61461715-G-T.
Other names: short protein forms A389S.
Identifiers: ClinVar variation 2090774 (VCV002090774.4), dbSNP rs981925850, ClinGen allele CA409594445.
Genomic context (GRCh38, chr20:62,830,363, plus strand): 5'-TCTTGGGGACTCCTCGAACCCTGAGACATCCGCTCACACCTCACCTTTGTCTTCCAGGGG[G>T]CCCTCGGCCCACAAGGCCCTCCCGGAGCCCCTGGTGTCCGAGGCTTCCAGGTGGGTGAGG-3'
Protein context (NP_001844.3, residues 379-399): GEAGHRGSAG[Ala389Ser]LGPQGPPGAP

ClinVar aggregate classification (germline): Uncertain significance (1 of 4 stars; one submission).

Submission:

Labcorp Genetics (formerly Invitae), Labcorp
Classification: Uncertain significance. Last evaluated: 2022-07-05. Review status: criteria provided, single submitter. Criteria: Invitae Variant Classification Sherloc (09022015). Collection method: clinical testing. Allele origin: germline.
Comment: This sequence change replaces alanine, which is neutral and non-polar, with serine, which is neutral and polar, at codon 389 of the COL9A3 protein (p.Ala389Ser). This variant is not present in population databases (gnomAD no frequency). In summary, the available evidence is currently insufficient to determine the role of this variant in disease. Therefore, it has been classified as a Variant of Uncertain Significance. Advanced modeling of protein sequence and biophysical properties (such as structural, functional, and spatial information, amino acid conservation, physicochemical variation, residue mobility, and thermodynamic stability) performed at Invitae indicates that this missense variant is not expected to disrupt COL9A3 protein function. This variant has not been reported in the literature in individuals affected with COL9A3-related conditions.